The following is an entry in ClinVar:

NM_022552.5(DNMT3A):c.1959G>C (p.Leu653Phe)

Gene: DNMT3A (DNA methyltransferase 3 alpha; minus strand). Cytogenetic location: 2p23.3.
Variant type: single nucleotide variant.
Coding change: c.1959G>C on transcript NM_022552.5 (MANE Select); coding-DNA position 1959, G replaced by C.
Protein change: p.Leu653Phe; replaces leucine 653 with phenylalanine.
Molecular consequence: missense variant. On other transcripts: non-coding transcript variant (1).
Genome position (GRCh38, 1-based): chr2:25,241,685, C>G on the plus strand (G>C on the coding strand, the complement: DNMT3A is on the minus strand). VCF-style: chr2-25241685-C-G. GRCh37 (hg19) VCF-style: chr2-25464554-C-G.
Other names: c.1503G>C, p.Leu501Phe (NM_001320893.1); c.1290G>C, p.Leu430Phe (NM_001375819.1); c.1392G>C, p.Leu464Phe (NM_153759.3); c.1959G>C, p.Leu653Phe (NM_175629.2); short protein forms L430F, L464F, L501F, L653F.
Identifiers: ClinVar variation 3348484 (VCV003348484.2).

ClinVar aggregate classification (germline): Uncertain significance. Review status: criteria provided, single submitter (1 of 4 stars). 2 submissions from 2 submitters: Uncertain significance (1). 1 of the submissions does not count toward it. Last evaluated 2024-10-30.

Conditions:
Acute myeloid leukemia (AML). Also called: Acute myeloid leukemia, adult; AML adult; Acute non-lymphocytic leukemia; Acute granulocytic leukemia; Leukemia, acute myeloid, somatic; Leukemia, acute myelogenous, somatic. Identifiers: Orphanet 519, MedGen C0023467, MeSH D015470, MONDO:0018874, OMIM 601626, HP:0004808. Disease mechanism: Constitutively activated FLT3.
Tatton-Brown-Rahman overgrowth syndrome. Also called: Tall stature-intellectual disability-facial dysmorphism syndrome; Tatton-Brown-Rahman syndrome. Identifiers: Orphanet 404443, MedGen C4014545, MONDO:0014382, OMIM 615879.
DNMT3A-related disorder. Also called: DNMT3A-related disorders; DNMT3A-related condition.

Submissions (2):

HudsonAlpha Institute for Biotechnology
Classification: Uncertain significance for Tatton-Brown-Rahman overgrowth syndrome; Acute myeloid leukemia. Last evaluated: 2024-10-30. Review status: criteria provided, single submitter. Criteria: ACMG Guidelines, 2015. Collection method: research. Allele origin: unknown. Affected: yes. Observed: 1 variant allele. Study: AGHI-WGS-HudsonAlpha.

PreventionGenetics, part of Exact Sciences
Classification: Uncertain significance for DNMT3A-related condition. Last evaluated: 2023-11-01. Review status: no assertion criteria provided. Collection method: clinical testing. Allele origin: germline. Not counted in ClinVar's aggregate classification.
Comment: The DNMT3A c.1959G>C variant is predicted to result in the amino acid substitution p.Leu653Phe. To our knowledge, this variant has not been reported in the literature or in a large population database, indicating this variant is rare. At this time, the clinical significance of this variant is uncertain due to the absence of conclusive functional and genetic evidence.